The following is an entry in ClinVar:

ClinVar aggregate classification (germline): Uncertain significance (1 of 4 stars; one submission).

Submission:

GeneDx
Classification: Uncertain significance. Last evaluated: 2025-01-15. Review status: criteria provided, single submitter. Criteria: GeneDx Variant Classification Process June 2021. Collection method: clinical testing. Allele origin: germline. Affected: yes.
Comment: Not observed at significant frequency in large population cohorts (gnomAD); In silico analysis indicates that this missense variant does not alter protein structure/function; Has not been previously published as pathogenic or benign to our knowledge; This variant is associated with the following publications: (PMID: 25486365)

NM_001042492.3(NF1):c.1997C>A (p.Ser666Tyr)

Gene: NF1 (neurofibromin 1; plus strand). Cytogenetic location: 17q11.2.
Variant type: single nucleotide variant.
Coding change: c.1997C>A on transcript NM_001042492.3 (MANE Select); coding-DNA position 1997, C replaced by A.
Protein change: p.Ser666Tyr; replaces serine 666 with tyrosine.
Molecular consequence: missense variant.
Genome position (GRCh38, 1-based): chr17:31,225,246, C>A. VCF-style: chr17-31225246-C-A. GRCh37 (hg19) VCF-style: chr17-29552264-C-A.
Other names: c.1997C>A, p.Ser666Tyr (NM_000267.4); short protein forms S666Y.
Identifiers: ClinVar variation 4070592 (VCV004070592.1).